The following is an entry in ClinVar:

NM_002834.5(PTPN11):c.1388T>A (p.Ile463Asn)

Gene: PTPN11 (protein tyrosine phosphatase non-receptor type 11; plus strand). Cytogenetic location: 12q24.13.
Variant type: single nucleotide variant.
Coding change: c.1388T>A on transcript NM_002834.5 (MANE Select); coding-DNA position 1388, T replaced by A.
Protein change: p.Ile463Asn; replaces isoleucine 463 with asparagine.
Molecular consequence: missense variant.
Genome position (GRCh38, 1-based): chr12:112,488,451, T>A. VCF-style: chr12-112488451-T-A. GRCh37 (hg19) VCF-style: chr12-112926255-T-A.
Other names: c.1400T>A, p.Ile467Asn (NM_001330437.2); c.1385T>A, p.Ile462Asn (NM_001374625.1); short protein forms I462N, I463N, I467N.
Identifiers: ClinVar variation 5027635 (VCV005027635.1).

ClinVar aggregate classification (germline): Uncertain significance (1 of 4 stars; one submission).

Conditions:
Cardiovascular phenotype. Identifiers: MedGen CN230736.

Submission:

Ambry Genetics
Classification: Uncertain significance for Cardiovascular phenotype. Last evaluated: 2026-08-15. Review status: criteria provided, single submitter. Criteria: Ambry Variant Classification Scheme 2023. Collection method: clinical testing. Allele origin: germline.
Comment: The p.I463N variant (also known as c.1388T>A), located in coding exon 12 of the PTPN11 gene, results from a T to A substitution at nucleotide position 1388. The isoleucine at codon 463 is replaced by asparagine, an amino acid with dissimilar properties. This amino acid position is conserved. In addition, this alteration is predicted to be deleterious by in silico analysis. Based on the available evidence, the clinical significance of this variant remains unclear.